The following is an entry in ClinVar:

NM_000238.4(KCNH2):c.652A>G (p.Met218Val)

Gene: KCNH2 (potassium voltage-gated channel subfamily H member 2; minus strand). Cytogenetic location: 7q36.1.
Variant type: single nucleotide variant.
Coding change: c.652A>G on transcript NM_000238.4 (MANE Select); coding-DNA position 652, A replaced by G.
Protein change: p.Met218Val; replaces methionine 218 with valine.
Molecular consequence: missense variant.
Genome position (GRCh38, 1-based): chr7:150,958,323, T>C on the plus strand (A>G on the coding strand, the complement: KCNH2 is on the minus strand). VCF-style: chr7-150958323-T-C. GRCh37 (hg19) VCF-style: chr7-150655411-T-C.
Other names: c.652A>G (LRG_288t1); c.364A>G, p.Met122Val (NM_001406753.1, NM_001406756.1); c.475A>G, p.Met159Val (NM_001406755.1); c.352A>G, p.Met118Val (NM_001406757.1); c.652A>G, p.Met218Val (NM_172056.3); short protein forms M218V, M122V, M159V, M118V.
Identifiers: ClinVar variation 67516 (VCV000067516.13), dbSNP rs199472869, ClinGen allele CA008645.

ClinVar aggregate classification (germline): Uncertain significance. Review status: criteria provided, multiple submitters, no conflicts (2 of 4 stars). 7 submissions from 7 submitters: Uncertain significance (6). 1 of the submissions does not count toward it. Last evaluated 2026-05-12.

Conditions:
Cardiovascular phenotype. Identifiers: MedGen CN230736.
Familial long QT syndrome (RWS). Also called: Congenital long QT syndrome; Romano-Ward syndrome; VENTRICULAR FIBRILLATION WITH PROLONGED QT INTERVAL. Identifiers: Orphanet 768, MedGen C1141890, MONDO:0019171.
Long QT syndrome (LQTS). Identifiers: MedGen C0023976, MeSH D008133, MONDO:0002442. Disease mechanism: loss of function. Inheritance: Various modes of inheritance.
Short QT syndrome type 1. Identifiers: Orphanet 51083, MedGen C1865020, MONDO:0012312, OMIM 609620.
Long QT syndrome 2 (LQT2). Identifiers: Orphanet 101016, Orphanet 768, MedGen C3150943, MONDO:0013367, OMIM 613688.

Allele frequency attached by ClinVar (database versions not stated): gnomAD 0.00001; gnomAD exomes 0.00002; TOPMed 0.00004.

Submissions (7):

Ambry Genetics
Classification: Uncertain significance for Cardiovascular phenotype. Last evaluated: 2026-05-12. Review status: criteria provided, single submitter. Criteria: Ambry Variant Classification Scheme 2023. Collection method: clinical testing. Allele origin: germline.

Labcorp Genetics (formerly Invitae), Labcorp
Classification: Uncertain significance for Long QT syndrome. Last evaluated: 2025-08-11. Review status: criteria provided, single submitter. Criteria: Invitae Variant Classification Sherloc (09022015). Collection method: clinical testing. Allele origin: germline.
Comment: This sequence change replaces methionine, which is neutral and non-polar, with valine, which is neutral and non-polar, at codon 218 of the KCNH2 protein (p.Met218Val). This variant is not present in population databases (gnomAD no frequency). This missense change has been observed in individual(s) with clinical features of long QT syndrome (PMID: 19716085, 32893267). ClinVar contains an entry for this variant (Variation ID: 67516). An algorithm developed to predict the effect of missense changes on protein structure and function (PolyPhen-2) suggests that this variant is likely to be tolerated. In summary, the available evidence is currently insufficient to determine the role of this variant in disease. Therefore, it has been classified as a Variant of Uncertain Significance.

Athena Diagnostics
Classification: Uncertain significance. Last evaluated: 2024-06-14. Review status: criteria provided, single submitter. Criteria: Athena Diagnostics Criteria. Collection method: clinical testing. Allele origin: unknown.
Comment: Available data are insufficient to determine the clinical significance of the variant at this time. The frequency of this variant in the general population is uninformative in assessment of its pathogenicity. This variant has been identified in at least one individual with clinical features associated with this gene. Polyphen and MutationTaster yielded discordant predictions regarding whether this amino acid change is damaging to the protein.

GeneDx
Classification: Uncertain significance. Last evaluated: 2023-12-12. Review status: criteria provided, single submitter. Criteria: GeneDx Variant Classification Process June 2021. Collection method: clinical testing. Allele origin: germline. Affected: yes.
Comment: Has been reported in individuals with LQTS (PMID: 19716085, 32893267); Not observed at significant frequency in large population cohorts (gnomAD); In silico analysis supports that this missense variant does not alter protein structure/function; This variant is associated with the following publications: (PMID: 19716085, 32893267)

Fulgent Genetics
Classification: Uncertain significance for Short QT syndrome type 1; Long QT syndrome 2. Last evaluated: 2021-09-01. Review status: criteria provided, single submitter. Criteria: ACMG Guidelines, 2015. Collection method: clinical testing. Allele origin: unknown.

Stanford Center for Inherited Cardiovascular Disease, Stanford University
Classification: Uncertain significance. Last evaluated: 2016-06-16. Review status: criteria provided, single submitter. Criteria: ACMG Guidelines, 2015. Collection method: provider interpretation. Allele origin: germline.

Cardiovascular Biomedical Research Unit, Royal Brompton & Harefield NHS Foundation Trust
No classification provided. Condition: Familial long QT syndrome. Review status: no classification provided. Collection method: literature only. Allele origin: germline. Not counted in ClinVar's aggregate classification.
Comment: This variant has been reported as associated with Long QT syndrome in the following publications (PMID:19716085). This is a literature report, and does not necessarily reflect the clinical interpretation of the Imperial College / Royal Brompton Cardiovascular Genetics laboratory.

Literature cited by the submitters: PubMed 19716085 (cited by 3 submitters); PubMed 32893267 (cited by Labcorp Genetics (formerly Invitae), Labcorp and Athena Diagnostics); PubMed 22581653 (cited by Cardiovascular Biomedical Research Unit, Royal Brompton & Harefield NHS Foundation Trust).